The following is an entry in ClinVar:

NM_000521.4(HEXB):c.135_150dup (p.Lys51fs)

Gene: HEXB (hexosaminidase subunit beta; plus strand). Cytogenetic location: 5q13.3.
Variant type: Duplication.
Coding change: c.135_150dup on transcript NM_000521.4 (MANE Select); coding-DNA positions 135 to 150, 16 bases duplicated (CCCGAGCGTCTCGGCC).
Protein change: p.Lys51fs; shifts the reading frame from lysine 51.
Molecular consequence: frameshift variant. On other transcripts: intron variant (1).
Genome position (GRCh38, 1-based): chr5:74,685,395-74,685,410, CCCGAGCGTCTCGGCC duplicated; duplicating any 16 consecutive bases within chr5:74,685,394-74,685,410 gives the same sequence; the c. name uses the placement nearest the transcript's 3' end. VCF-style (leftmost placement, unchanged base first): chr5-74685393-G-GCCCCGAGCGTCTCGGC. GRCh37 (hg19) VCF-style: chr5-73981218-G-GCCCCGAGCGTCTCGGC.
Other names: c.-376-3933_-376-3918dup (NM_001292004.2); short protein forms K51fs.
Identifiers: ClinVar variation 5015864 (VCV005015864.1).
Genomic context (GRCh38, chr5:74,685,393, plus strand): 5'-GCGATGTTGGCGCTGCTGACTCAGGTGGCGCTGGTGGTGCAGGTGGCGGAGGCGGCTCGG[G>GCCCCGAGCGTCTCGGC]CCCCGAGCGTCTCGGCCAAGCCGGGGCCGGCGCTGTGGCCCCTGCCGCTCTTGGTGAAGA-3'

ClinVar aggregate classification (germline): Pathogenic (1 of 4 stars; one submission).

Conditions:
Sandhoff disease. Also called: HEXOSAMINIDASES A AND B DEFICIENCY; Beta-hexosaminidase-beta-subunit deficiency; GM2 gangliosidosis, type 2; Total hexosaminidase deficiency; Sandhoff-Jatzkewitz-Pilz disease; GM2-GANGLIOSIDOSIS, TYPE II. Identifiers: Orphanet 796, MedGen C0036161, MONDO:0010006, OMIM 268800.

Submission:

Myriad Genetics, Inc.
Classification: Pathogenic for Sandhoff disease. Last evaluated: 2026-05-03. Review status: criteria provided, single submitter. Criteria: Myriad Autosomal Dominant, Autosomal Recessive and X-Linked Classification Criteria (2023). Collection method: clinical testing. Allele origin: unknown.
Comment: NM_000521.3(HEXB):c.135_150dup16(K51Pfs*69) is expected to be pathogenic in the context of Sandhoff disease. This variant is predicted to lead to an abnormal or absent protein product due to the creation of a premature termination codon in HEXB, a gene where loss-of-function variants are known to be pathogenic. Please note: this variant was assessed in the context of healthy population screening.